The following is an entry in ClinVar:

NM_006648.4(WNK2):c.6472A>C (p.Met2158Leu)

Gene: WNK2 (WNK lysine deficient protein kinase 2; plus strand). Cytogenetic location: 9q22.31.
Variant type: single nucleotide variant.
Coding change: c.6472A>C on transcript NM_006648.4 (MANE Select); coding-DNA position 6472, A replaced by C.
Protein change: p.Met2158Leu; replaces methionine 2158 with leucine.
Molecular consequence: missense variant.
Genome position (GRCh38, 1-based): chr9:93,308,540, A>C. VCF-style: chr9-93308540-A-C. GRCh37 (hg19) VCF-style: chr9-96070822-A-C.
Other names: c.6583A>C, p.Met2195Leu (NM_001282394.3); short protein forms M2195L, M2158L.
Identifiers: ClinVar variation 4201559 (VCV004201559.1).

ClinVar aggregate classification (germline): Uncertain significance (1 of 4 stars; one submission).

Submission:

Ambry Genetics
Classification: Uncertain significance. Last evaluated: 2025-06-25. Review status: criteria provided, single submitter. Criteria: Ambry Variant Classification Scheme 2023. Collection method: clinical testing. Allele origin: germline.
Comment: The p.M2158L variant (also known as c.6472A>C), located in coding exon 27 of the WNK2 gene, results from an A to C substitution at nucleotide position 6472. The methionine at codon 2158 is replaced by leucine, an amino acid with highly similar properties. This amino acid position is conserved. In addition, the in silico prediction for this alteration is inconclusive. Based on the available evidence, the clinical significance of this variant remains unclear.